The following is an entry in ClinVar:

NM_006208.3(ENPP1):c.1159A>C (p.Ser387Arg)

Gene: ENPP1 (ectonucleotide pyrophosphatase/phosphodiesterase 1; plus strand). Cytogenetic location: 6q23.2.
Variant type: single nucleotide variant.
Coding change: c.1159A>C on transcript NM_006208.3 (MANE Select); coding-DNA position 1159, A replaced by C.
Protein change: p.Ser387Arg; replaces serine 387 with arginine.
Molecular consequence: missense variant.
Genome position (GRCh38, 1-based): chr6:131,864,933, A>C. VCF-style: chr6-131864933-A-C. GRCh37 (hg19) VCF-style: chr6-132186073-A-C.
Other names: c.1159A>C (NM_006208.2); short protein forms S387R.
Identifiers: ClinVar variation 2768148 (VCV002768148.4), dbSNP rs2483487642, ClinGen allele CA365672179.

ClinVar aggregate classification (germline): Uncertain significance. Review status: criteria provided, multiple submitters, no conflicts (2 of 4 stars). 2 submissions from 2 submitters: Uncertain significance (2). Last evaluated 2024-04-04.

Conditions:
Inborn genetic diseases. Identifiers: MedGen C0950123, MeSH D030342.

Submissions (2):

Ambry Genetics
Classification: Uncertain significance for Inborn genetic diseases. Last evaluated: 2024-04-04. Review status: criteria provided, single submitter. Criteria: Ambry Variant Classification Scheme 2023. Collection method: clinical testing. Allele origin: germline.

Labcorp Genetics (formerly Invitae), Labcorp
Classification: Uncertain significance. Last evaluated: 2023-10-13. Review status: criteria provided, single submitter. Criteria: Invitae Variant Classification Sherloc (09022015). Collection method: clinical testing. Allele origin: germline.
Comment: This sequence change replaces serine, which is neutral and polar, with arginine, which is basic and polar, at codon 387 of the ENPP1 protein (p.Ser387Arg). This variant is not present in population databases (gnomAD no frequency). This variant has not been reported in the literature in individuals affected with ENPP1-related conditions. Advanced modeling of protein sequence and biophysical properties (such as structural, functional, and spatial information, amino acid conservation, physicochemical variation, residue mobility, and thermodynamic stability) performed at Invitae indicates that this missense variant is not expected to disrupt ENPP1 protein function. In summary, the available evidence is currently insufficient to determine the role of this variant in disease. Therefore, it has been classified as a Variant of Uncertain Significance.